The following is an entry in ClinVar:

NM_000179.3(MSH6):c.3438+8dup

Gene: MSH6 (mutS homolog 6; plus strand). Cytogenetic location: 2p16.3.
Variant type: Duplication.
Coding change: c.3438+8dup on transcript NM_000179.3 (MANE Select); 8 bases into the intron after coding-DNA position 3438, one base duplicated (A; older notation c.3438+8dupA).
Molecular consequence: intron variant.
Genome position (GRCh38, 1-based): chr2:47,803,693, A duplicated. VCF-style (leftmost placement, unchanged base first): chr2-47803692-G-GA. GRCh37 (hg19) VCF-style: chr2-48030831-G-GA.
Other names: c.2532+8dup (NM_001281493.2, NM_001281494.2); c.3048+8dup (NM_001281492.2); c.3438+8dupA (NM_000179.2).
Identifiers: ClinVar variation 237191 (VCV000237191.15), dbSNP rs878853734, ClinGen allele CA070855.

ClinVar aggregate classification (germline): Conflicting classifications of pathogenicity. Review status: criteria provided, conflicting classifications (1 of 4 stars). 5 submissions from 5 submitters: Uncertain significance (2); Likely benign (3). Last evaluated 2025-12-09.

Conditions:
Hereditary nonpolyposis colorectal neoplasms. Identifiers: MedGen C0009405, MeSH D003123.
Breast and/or ovarian cancer. Identifiers: MedGen CN221562.
Lynch syndrome 5 (LYNCH5). Also called: Colorectal cancer, hereditary nonpolyposis, type 5; Hereditary non-polyposis colorectal cancer, type 5. Identifiers: Orphanet 144, MedGen C1833477, MONDO:0013710, OMIM 614350. Disease mechanism: loss of function.

Allele frequency attached by ClinVar (database versions not stated): gnomAD exomes below 0.00001 and 0.00001; ExAC 0.00001.

Submissions (5):

Labcorp Genetics (formerly Invitae), Labcorp
Classification: Likely benign for Hereditary nonpolyposis colorectal neoplasms. Last evaluated: 2025-12-09. Review status: criteria provided, single submitter. Criteria: Invitae Variant Classification Sherloc (09022015). Collection method: clinical testing. Allele origin: germline.

Myriad Genetics, Inc.
Classification: Likely benign for Lynch syndrome 5. Last evaluated: 2025-01-07. Review status: criteria provided, single submitter. Criteria: Myriad Autosomal Dominant, Autosomal Recessive and X-Linked Classification Criteria (2023). Collection method: clinical testing. Allele origin: unknown.
Comment: This variant is considered likely benign. This variant is intronic and is not expected to impact mRNA splicing.

Quest Diagnostics Nichols Institute San Juan Capistrano
Classification: Uncertain significance. Last evaluated: 2023-10-23. Review status: criteria provided, single submitter. Criteria: Quest Diagnostics criteria. Collection method: clinical testing. Allele origin: unknown.
Comment: The MSH6 c.3438+8dup variant has not been reported in individuals with MSH6-related conditions in the published literature. The frequency of this variant in the general population, 0.000004 (1/250820 chromosomes (Genome Aggregation Database)), is uninformative in the assessment of its pathogenicity. Analysis of this variant using software algorithms for the prediction of the effect of nucleotide changes on splicing yielded predictions that this variant does not affect MSH6 mRNA splicing. Based on the available information, we are unable to determine the clinical significance of this variant.

CHEO Genetics Diagnostic Laboratory, Children's Hospital of Eastern Ontario
Classification: Uncertain significance for Breast and/or ovarian cancer. Last evaluated: 2021-07-27. Review status: criteria provided, single submitter. Criteria: ACMG Guidelines, 2015. Collection method: clinical testing. Allele origin: germline.

GeneDx
Classification: Likely benign. Last evaluated: 2017-06-29. Review status: criteria provided, single submitter. Criteria: GeneDx Variant Classification (06012015). Collection method: clinical testing. Allele origin: germline. Affected: yes.
Comment: This variant is considered likely benign or benign based on one or more of the following criteria: it is a conservative change, it occurs at a poorly conserved position in the protein, it is predicted to be benign by multiple in silico algorithms, and/or has population frequency not consistent with disease.